The following is an entry in ClinVar:

NM_006947.4(SRP72):c.1915A>G (p.Ser639Gly)

Gene: SRP72 (signal recognition particle 72; plus strand). Cytogenetic location: 4q12.
Variant type: single nucleotide variant.
Coding change: c.1915A>G on transcript NM_006947.4 (MANE Select); coding-DNA position 1915, A replaced by G.
Protein change: p.Ser639Gly; replaces serine 639 with glycine.
Molecular consequence: missense variant. On other transcripts: non-coding transcript variant (1).
Genome position (GRCh38, 1-based): chr4:56,501,760, A>G. VCF-style: chr4-56501760-A-G. GRCh37 (hg19) VCF-style: chr4-57367926-A-G.
Other names: c.1732A>G, p.Ser578Gly (NM_001267722.2); short protein forms S639G, S578G.
Identifiers: ClinVar variation 3962109 (VCV003962109.1).

ClinVar aggregate classification (germline): Uncertain significance (1 of 4 stars; one submission).

gnomAD v4.1: 2 of 1,614,052 alleles (0.00012%); highest among the groups gnomAD compares: African/African-American, 0.0013%; no homozygotes.

Submission:

Ambry Genetics
Classification: Uncertain significance. Last evaluated: 2025-05-19. Review status: criteria provided, single submitter. Criteria: Ambry Variant Classification Scheme 2023. Collection method: clinical testing. Allele origin: germline.
Comment: The p.S639G variant (also known as c.1915A>G), located in coding exon 19 of the SRP72 gene, results from an A to G substitution at nucleotide position 1915. The serine at codon 639 is replaced by glycine, an amino acid with similar properties. This amino acid position is conserved. In addition, the in silico prediction for this alteration is inconclusive. Based on the available evidence, the clinical significance of this variant remains unclear.